The following is an entry in ClinVar:

ClinVar aggregate classification (germline): Conflicting classifications of pathogenicity. Review status: criteria provided, conflicting classifications (1 of 4 stars). 13 submissions from 12 submitters: Uncertain significance (2); Benign (5); Likely benign (3). 3 of the submissions do not count toward it. Last evaluated 2026-01-27.

Conditions:
Retinal dystrophy. Also called: Inherited retinal dystrophy. Identifiers: Orphanet 71862, MedGen C0854723, MeSH D058499, MONDO:0019118, HP:0000556.
Retinitis pigmentosa (RP). Identifiers: Orphanet 791, MedGen C0035334, MeSH D012174, MONDO:0019200, OMIM 268000. Inheritance: Autosomal dominant, autosomal recessive and X linked inheritance.
Usher syndrome type 2A. Also called: USHER SYNDROME, TYPE IIA; RETINAL DISEASE IN USHER SYNDROME TYPE IIA, MODIFIER OF. Identifiers: Orphanet 231178, Orphanet 886, MedGen C1848634, MONDO:0010169, OMIM 276901.

Allele frequency attached by ClinVar (database versions not stated): gnomAD exomes 0.00125; ExAC 0.00146; gnomAD 0.00403 and 0.00424; TOPMed 0.00447; ESP Exome Variant Server 0.00477; 1000 Genomes Project 30x 0.00625; 1000 Genomes Project 0.00659.
gnomAD v4.1: 1,338 of 1,614,138 alleles (0.083%); highest among the groups gnomAD compares: African/African-American, 1.4%; 10 homozygotes.

Submissions (13):

Labcorp Genetics (formerly Invitae), Labcorp
Classification: Benign. Last evaluated: 2026-01-27. Review status: criteria provided, single submitter. Criteria: Invitae Variant Classification Sherloc (09022015). Collection method: clinical testing. Allele origin: germline.

CeGaT Center for Human Genetics Tuebingen
Classification: Likely benign. Last evaluated: 2026-01-01. Review status: criteria provided, single submitter. Criteria: CeGaT Center For Human Genetics Tuebingen Variant Classification Criteria Version 2. Collection method: clinical testing. Allele origin: germline. Affected: yes. Observed: 4 variant alleles.
Comment: USH2A: BS1

Blueprint Genetics
Classification: Likely benign. Last evaluated: 2024-11-25. Review status: criteria provided, single submitter. Criteria: ACMG Guidelines, 2015. Collection method: clinical testing. Allele origin: germline.

Mendelics
Classification: Benign for Usher syndrome type 2A. Last evaluated: 2019-05-28. Review status: criteria provided, single submitter. Criteria: Mendelics Assertion Criteria 2017. Collection method: clinical testing. Allele origin: unknown.

GeneDx
Classification: Benign. Last evaluated: 2019-05-03. Review status: criteria provided, single submitter. Criteria: GeneDx Variant Classification Process June 2021. Collection method: clinical testing. Allele origin: germline. Affected: yes.
Comment: This variant is associated with the following publications: (PMID: 30245029, 26969326, 24944099)

Institute of Human Genetics, Univ. Regensburg, Univ. Regensburg
Classification: Uncertain significance for Retinal dystrophy. Last evaluated: 2018-01-01. Review status: criteria provided, single submitter. Criteria: ACMG Guidelines, 2015. Collection method: clinical testing. Allele origin: germline. Affected: yes.

Illumina Laboratory Services, Illumina
Classification: Uncertain significance for Retinitis pigmentosa. Last evaluated: 2017-04-27. Review status: criteria provided, single submitter. Criteria: ICSL Variant Classification Criteria 13 December 2019. Collection method: clinical testing. Allele origin: germline.

Illumina Laboratory Services, Illumina
Classification: Likely benign for Usher syndrome type 2A. Last evaluated: 2017-04-27. Review status: criteria provided, single submitter. Criteria: ICSL Variant Classification Criteria 13 December 2019. Collection method: clinical testing. Allele origin: germline.
Comment: This variant was observed as part of a predisposition screen in an ostensibly healthy population. A literature search was performed for the gene, cDNA change, and amino acid change (where applicable). No publications were found based on this search. Allele frequency data from public databases allowed determination this variant is unlikely to cause disease. Therefore, this variant is classified as likely benign.

Eurofins Ntd Llc (ga)
Classification: Benign. Last evaluated: 2016-07-12. Review status: criteria provided, single submitter. Criteria: EGL Classification Definitions 2015. Collection method: clinical testing. Allele origin: germline. Observed: 1 variant allele, 1 heterozygote.

Laboratory for Molecular Medicine, Mass General Brigham Personalized Medicine
Classification: Benign. Last evaluated: 2011-07-07. Review status: criteria provided, single submitter. Criteria: LMM Criteria. Collection method: clinical testing. Allele origin: germline. Observed: 12 variant alleles.
Comment: Cys849Tyr in exon 13 of USH2A: This variant is not expected to have clinical sig nificance because it has been identified in over 1% of controls (rs111033481).

Natera, Inc.
Classification: Benign for Usher syndrome type 2A. Last evaluated: 2020-01-14. Review status: no assertion criteria provided. Collection method: clinical testing. Allele origin: germline. Not counted in ClinVar's aggregate classification.

Clinical Genetics DNA and cytogenetics Diagnostics Lab, Erasmus MC, Erasmus Medical Center
Classification: Likely benign. Review status: no assertion criteria provided. Collection method: clinical testing. Allele origin: germline. Affected: yes. Study: VKGL Data-share Consensus. Not counted in ClinVar's aggregate classification.

Clinical Genetics, Academic Medical Center
Classification: Likely benign. Review status: no assertion criteria provided. Collection method: clinical testing. Allele origin: germline. Affected: yes. Study: VKGL Data-share Consensus. Not counted in ClinVar's aggregate classification.

Literature cited by the submitters: PubMed 24944099 (cited by Institute of Human Genetics, Univ. Regensburg, Univ. Regensburg); PubMed 26969326 (cited by Institute of Human Genetics, Univ. Regensburg, Univ. Regensburg); PubMed 30245029 (cited by Institute of Human Genetics, Univ. Regensburg, Univ. Regensburg); PubMed 32531858 (cited by Institute of Human Genetics, Univ. Regensburg, Univ. Regensburg).

NM_206933.4(USH2A):c.2546G>A (p.Cys849Tyr)

Genes: USH2A (usherin; minus strand), LOC122152296 (Sharpr-MPRA regulatory region 8762; plus strand). Cytogenetic location: 1q41.
Variant type: single nucleotide variant.
Coding change: c.2546G>A on transcript NM_206933.4 (MANE Select); coding-DNA position 2546, G replaced by A.
Protein change: p.Cys849Tyr; replaces cysteine 849 with tyrosine.
Molecular consequence: missense variant.
Genome position (GRCh38, 1-based): chr1:216,246,848, C>T on the plus strand (G>A on the coding strand, the complement: USH2A is on the minus strand). VCF-style: chr1-216246848-C-T. GRCh37 (hg19) VCF-style: chr1-216420190-C-T.
Other names: c.2546G>A, p.Cys849Tyr (NM_007123.6); short protein forms C849Y.
Identifiers: ClinVar variation 48488 (VCV000048488.55), dbSNP rs111033481, ClinGen allele CA143442.